The following is an entry in ClinVar:

NM_001368894.2(PAX6):c.249G>T (p.Arg83Ser)

Gene: PAX6 (paired box 6; minus strand). Cytogenetic location: 11p13.
Variant type: single nucleotide variant.
Coding change: c.249G>T on transcript NM_001368894.2 (MANE Select); coding-DNA position 249, G replaced by T.
Protein change: p.Arg83Ser; replaces arginine 83 with serine.
Molecular consequence: missense variant. On other transcripts: 5 prime UTR variant (14), non-coding transcript variant (2), intron variant (8).
Genome position (GRCh38, 1-based): chr11:31,801,711, C>A on the plus strand (G>T on the coding strand, the complement: PAX6 is on the minus strand). VCF-style: chr11-31801711-C-A. GRCh37 (hg19) VCF-style: chr11-31823259-C-A.
Other names: c.207G>T, p.Arg69Ser (NM_000280.6, NM_001127612.3, NM_001258464.2 and 10 more transcripts); c.249G>T, p.Arg83Ser (NM_001258462.3, NM_001258463.2, NM_001310158.2 and 6 more transcripts); c.-533G>T (NM_001310160.2, NM_001368902.2, NM_001368905.2); c.-202G>T (NM_001310161.3, NM_001368899.2, NM_001368900.2 and 8 more transcripts); c.450G>T, p.Arg150Ser (NM_001368910.2); c.252G>T, p.Arg84Ser (NM_001368911.2); c.324G>T, p.Arg108Ser (NM_001368918.2, NM_001368919.2); c.282G>T, p.Arg94Ser (NM_001368920.2); and 2 more; short protein forms R150S, R94S, R108S, R69S, R84S, R83S.
Identifiers: ClinVar variation 1405529 (VCV001405529.8), dbSNP rs2135097990, ClinGen allele CA379958897.

ClinVar aggregate classification (germline): Uncertain significance (1 of 4 stars; one submission).

Conditions:
Aniridia 1 (AN1). Identifiers: Orphanet 250923, MedGen C0344542, MONDO:0024507, OMIM 106210.
Irido-corneo-trabecular dysgenesis (ASGD5). Also called: ANTERIOR SEGMENT DYSGENESIS 5. Identifiers: Orphanet 708, MedGen C0344559, MONDO:0011414, OMIM 604229, HP:0000659.

Submission:

Labcorp Genetics (formerly Invitae), Labcorp
Classification: Uncertain significance for Aniridia 1; Irido-corneo-trabecular dysgenesis. Last evaluated: 2024-06-11. Review status: criteria provided, single submitter. Criteria: Invitae Variant Classification Sherloc (09022015). Collection method: clinical testing. Allele origin: germline.
Comment: This sequence change replaces arginine, which is basic and polar, with serine, which is neutral and polar, at codon 69 of the PAX6 protein (p.Arg69Ser). This variant is not present in population databases (gnomAD no frequency). This variant has not been reported in the literature in individuals affected with PAX6-related conditions. ClinVar contains an entry for this variant (Variation ID: 1405529). Advanced modeling of protein sequence and biophysical properties (such as structural, functional, and spatial information, amino acid conservation, physicochemical variation, residue mobility, and thermodynamic stability) performed at Invitae indicates that this missense variant is expected to disrupt PAX6 protein function with a positive predictive value of 80%. In summary, the available evidence is currently insufficient to determine the role of this variant in disease. Therefore, it has been classified as a Variant of Uncertain Significance.